The following is an entry in ClinVar:

ClinVar aggregate classification (germline): Uncertain significance. Review status: criteria provided, multiple submitters, no conflicts (2 of 4 stars). 4 submissions from 4 submitters: Uncertain significance (3). 1 of the submissions does not count toward it. Last evaluated 2025-10-02.

Conditions:
Galactosylceramide beta-galactosidase deficiency. Also called: GALACTOCEREBROSIDASE DEFICIENCY; GALC DEFICIENCY; GLOBOID CELL LEUKOENCEPHALOPATHY; Krabbe Disease; Leukodystrophy, Globoid Cell. Identifiers: Orphanet 487, MedGen C0023521, MONDO:0009499, OMIM 245200.
Intellectual disability. Also called: intellectual disabilities; Intellectual developmental disorder; Intellectual functioning disability. Identifiers: MedGen C3714756, MeSH D008607, MONDO:0001071, HP:0001249.

Allele frequency attached by ClinVar (database versions not stated): gnomAD exomes 0.00006 and 0.00004; gnomAD 0.00007; TOPMed 0.00004.
gnomAD v4.1: 100 of 1,536,638 alleles (0.0065%); highest among the groups gnomAD compares: Non-Finnish European, 0.0081%; no homozygotes.

Submissions (4):

Labcorp Genetics (formerly Invitae), Labcorp
Classification: Uncertain significance for Galactosylceramide beta-galactosidase deficiency. Last evaluated: 2025-10-02. Review status: criteria provided, single submitter. Criteria: Invitae Variant Classification Sherloc (09022015). Collection method: clinical testing. Allele origin: germline.
Comment: This sequence change replaces phenylalanine, which is neutral and non-polar, with leucine, which is neutral and non-polar, at codon 55 of the GALC protein (p.Phe55Leu). This variant is present in population databases (rs537461366, gnomAD 0.01%). This variant has not been reported in the literature in individuals affected with GALC-related conditions. ClinVar contains an entry for this variant (Variation ID: 975393). An algorithm developed to predict the effect of missense changes on protein structure and function outputs the following: PolyPhen-2: "Benign". The leucine amino acid residue is found in multiple mammalian species, which suggests that this missense change does not adversely affect protein function. In summary, the available evidence is currently insufficient to determine the role of this variant in disease. Therefore, it has been classified as a Variant of Uncertain Significance.

Revvity Omics, Revvity
Classification: Uncertain significance. Last evaluated: 2020-06-25. Review status: criteria provided, single submitter. Criteria: ACMG Guidelines, 2015. Collection method: clinical testing. Allele origin: germline.

GeneDx
Classification: Uncertain significance. Last evaluated: 2019-11-01. Review status: criteria provided, single submitter. Criteria: GeneDx Variant Classification Process June 2021. Collection method: clinical testing. Allele origin: germline. Affected: yes.
Comment: Not observed at a significant frequency in large population cohorts (Lek et al., 2016); In silico analysis, which includes protein predictors and evolutionary conservation, supports a deleterious effect; Has not been previously published as pathogenic or benign to our knowledge

Centre de Biologie Pathologie Génétique, Centre Hospitalier Universitaire de Lille
Classification: Likely benign for Intellectual disability. Last evaluated: 2019-01-01. Review status: no assertion criteria provided. Collection method: clinical testing. Allele origin: inherited. Affected: yes. Not counted in ClinVar's aggregate classification.

NM_000153.4(GALC):c.165C>G (p.Phe55Leu)

Genes: GALC (galactosylceramidase; minus strand), LOC130056217 (ATAC-STARR-seq lymphoblastoid silent region 5988; plus strand). Cytogenetic location: 14q31.3.
Variant type: single nucleotide variant.
Coding change: c.165C>G on transcript NM_000153.4 (MANE Select); coding-DNA position 165, C replaced by G.
Protein change: p.Phe55Leu; replaces phenylalanine 55 with leucine.
Molecular consequence: missense variant. On other transcripts: intron variant (1).
Genome position (GRCh38, 1-based): chr14:87,993,000, G>C on the plus strand (C>G on the coding strand, the complement: GALC is on the minus strand). VCF-style: chr14-87993000-G-C. GRCh37 (hg19) VCF-style: chr14-88459344-G-C.
Other names: c.165C>G, p.Phe55Leu (NM_001201401.2); c.117+383C>G (NM_001201402.2); short protein forms F55L.
Identifiers: ClinVar variation 975393 (VCV000975393.9), dbSNP rs537461366, ClinGen allele CA265469443.
Genomic context (GRCh38, chr14:87,993,000, plus strand): 5'-CCCCGCGTATCCCCGCAGCTTGCCGCTCACCCCGCCGCCGCTGACCGCGCCGATGCCGTC[G>C]AACTCCCGGCCCAGCCCGTCGGAGTCGTCGAGCACGTACGCGCCGCCGGGCGCCAGCAGC-3'
Protein context (NP_000144.2, residues 45-65): LDDSDGLGRE[Phe55Leu]DGIGAVSGGG